The following is an entry in ClinVar:

NM_001005361.3(DNM2):c.1456A>G (p.Ile486Val)

Gene: DNM2 (dynamin 2; plus strand). Cytogenetic location: 19p13.2.
Variant type: single nucleotide variant.
Coding change: c.1456A>G on transcript NM_001005361.3 (MANE Select); coding-DNA position 1456, A replaced by G.
Protein change: p.Ile486Val; replaces isoleucine 486 with valine.
Molecular consequence: missense variant.
Genome position (GRCh38, 1-based): chr19:10,802,321, A>G. VCF-style: chr19-10802321-A-G. GRCh37 (hg19) VCF-style: chr19-10912997-A-G.
Other names: c.1456A>G, p.Ile486Val (NM_001005360.3, NM_001005362.3, NM_001190716.2 and 1 more transcripts); short protein forms I486V.
Identifiers: ClinVar variation 374611 (VCV000374611.54), dbSNP rs758246840, ClinGen allele CA9201169.

ClinVar aggregate classification (germline): Conflicting classifications of pathogenicity. Review status: criteria provided, conflicting classifications (1 of 4 stars). 6 submissions from 6 submitters: Uncertain significance (5); Likely benign (1). Last evaluated 2025-11-03.

Conditions:
DNM2-related disorder. Also called: DNM2-related condition.
Charcot-Marie-Tooth disease dominant intermediate B (CMTDIB). Also called: Charcot-Marie-Tooth disease dominant intermediate 1; CMT DI1; Charcot-Marie-Tooth disease dominant intermediate I; CHARCOT-MARIE-TOOTH NEUROPATHY, DOMINANT INTERMEDIATE B. Identifiers: Orphanet 100044, Orphanet 228179, MedGen C1847902, MONDO:0011674, OMIM 606482.

Allele frequency attached by ClinVar (database versions not stated): TOPMed 0.00002; ExAC 0.00003; gnomAD 0.00003 and 0.00004; gnomAD exomes 0.00003 and 0.00006.
gnomAD v4.1: 85 of 1,613,992 alleles (0.0053%); highest among the groups gnomAD compares: Non-Finnish European, 0.0069%; no homozygotes.

Submissions (6):

Labcorp Genetics (formerly Invitae), Labcorp
Classification: Likely benign for Charcot-Marie-Tooth disease dominant intermediate B. Last evaluated: 2025-11-03. Review status: criteria provided, single submitter. Criteria: Invitae Variant Classification Sherloc (09022015). Collection method: clinical testing. Allele origin: germline.

PreventionGenetics, part of Exact Sciences
Classification: Uncertain significance for DNM2-related condition. Last evaluated: 2025-02-10. Review status: criteria provided, single submitter. Criteria: ACMG Guidelines, 2015. Collection method: clinical testing. Allele origin: germline.
Comment: The DNM2 c.1456A>G variant is predicted to result in the amino acid substitution p.Ile486Val. To our knowledge, this variant has not been reported in the literature. This variant is reported in 0.0054% of alleles in individuals of European (Non-Finnish) descent in gnomAD. At this time, the clinical significance of this variant is uncertain due to the absence of conclusive functional and genetic evidence.

Revvity Omics, Revvity
Classification: Uncertain significance. Last evaluated: 2021-09-17. Review status: criteria provided, single submitter. Criteria: ACMG Guidelines, 2015. Collection method: clinical testing. Allele origin: germline.

GeneDx
Classification: Uncertain significance. Last evaluated: 2019-10-10. Review status: criteria provided, single submitter. Criteria: GeneDx Variant Classification Process June 2021. Collection method: clinical testing. Allele origin: germline. Affected: yes.
Comment: Not observed at a significant frequency in large population cohorts (Lek et al., 2016); The majority of missense variants in this gene are considered pathogenic (Stenson et al., 2014); In silico analysis, which includes protein predictors and evolutionary conservation, supports that this variant does not alter protein structure/function; Has not been previously published as pathogenic or benign to our knowledge

Athena Diagnostics
Classification: Uncertain significance. Last evaluated: 2016-11-11. Review status: criteria provided, single submitter. Criteria: Athena Diagnostics Criteria. Collection method: clinical testing. Allele origin: germline.

CeGaT Center for Human Genetics Tuebingen
Classification: Uncertain significance. Last evaluated: 2016-07-01. Review status: criteria provided, single submitter. Criteria: CeGaT Center For Human Genetics Tuebingen Variant Classification Criteria Version 2. Collection method: clinical testing. Allele origin: germline. Affected: yes. Observed: 1 variant allele.